The following is an entry in ClinVar:

ClinVar aggregate classification (germline): Uncertain significance (1 of 4 stars; one submission).

Conditions:
Niemann-Pick disease, type C1. Also called: NEUROVISCERAL STORAGE DISEASE WITH VERTICAL SUPRANUCLEAR OPHTHALMOPLEGIA; NIEMANN-PICK DISEASE WITH CHOLESTEROL ESTERIFICATION BLOCK; NIEMANN-PICK DISEASE WITHOUT SPHINGOMYELINASE DEFICIENCY; NIEMANN-PICK DISEASE, CHRONIC NEURONOPATHIC FORM; NIEMANN-PICK DISEASE, VARIANT TYPE C1. Identifiers: Orphanet 646, MedGen C3179455, MONDO:0009757, OMIM 257220.

Submission:

Myriad Genetics, Inc.
Classification: Uncertain significance for Niemann-Pick disease, type C1. Last evaluated: 2025-10-20. Review status: criteria provided, single submitter. Criteria: Myriad Autosomal Dominant, Autosomal Recessive and X-Linked Classification Criteria (2023). Collection method: clinical testing. Allele origin: unknown.
Comment: NM_000271.4(NPC1):c.1916T>C(L639S) is a missense variant classified as a variant of uncertain significance in the context of Niemann-Pick disease type C1. L639S has been observed in a case with relevant disease (PMID: 38131230). Relevant functional assessments of this variant are not available in the literature. L639S has not been observed in referenced population frequency databases. In summary, there is insufficient evidence to classify NM_000271.4(NPC1):c.1916T>C(L639S) as pathogenic or benign. Please note: this variant was assessed in the context of healthy population screening.

Literature cited by the submitters: PubMed 38131230.

NM_000271.5(NPC1):c.1916T>C (p.Leu639Ser)

Gene: NPC1 (NPC intracellular cholesterol transporter 1; minus strand). Cytogenetic location: 18q11.2.
Variant type: single nucleotide variant.
Coding change: c.1916T>C on transcript NM_000271.5 (MANE Select); coding-DNA position 1916, T replaced by C.
Protein change: p.Leu639Ser; replaces leucine 639 with serine.
Molecular consequence: missense variant.
Genome position (GRCh38, 1-based): chr18:23,544,991, A>G on the plus strand (T>C on the coding strand, the complement: NPC1 is on the minus strand). VCF-style: chr18-23544991-A-G. GRCh37 (hg19) VCF-style: chr18-21124955-A-G.
Other names: short protein forms L639S.
Identifiers: ClinVar variation 5003347 (VCV005003347.1).
Genomic context (GRCh38, chr18:23,544,991, plus strand): 5'-AGAACATACACCACCCCCCCCCGGCTTACCAGAAGCCTGCGACAGCTTTTCATGTGCCCC[A>G]AGGCTAGGGAAATATATAGAAACATGATGGCATAGCTAATTACAACGGTGAAGACATCAC-3'
Protein context (NP_000262.2, residues 629-649): AIMFLYISLA[Leu639Ser]GHMKSCRRLL